The following is an entry in ClinVar:

NM_000057.4(BLM):c.3926G>A (p.Arg1309Lys)

Gene: BLM (BLM RecQ like helicase; plus strand). Cytogenetic location: 15q26.1.
Variant type: single nucleotide variant.
Coding change: c.3926G>A on transcript NM_000057.4 (MANE Select); coding-DNA position 3926, G replaced by A.
Protein change: p.Arg1309Lys; replaces arginine 1309 with lysine.
Molecular consequence: missense variant.
Genome position (GRCh38, 1-based): chr15:90,811,256, G>A. VCF-style: chr15-90811256-G-A. GRCh37 (hg19) VCF-style: chr15-91354486-G-A.
Other names: c.3926G>A, p.Arg1309Lys (NM_001287246.2); c.3533G>A, p.Arg1178Lys (NM_001287247.2); c.2801G>A, p.Arg934Lys (NM_001287248.2); short protein forms R1309K, R1178K, R934K.
Identifiers: ClinVar variation 3991619 (VCV003991619.1).

ClinVar aggregate classification (germline): Uncertain significance (1 of 4 stars; one submission).

Conditions:
Hereditary cancer-predisposing syndrome. Also called: Tumor predisposition; Hereditary neoplastic syndrome; Neoplastic Syndromes, Hereditary; Hereditary Cancer Syndrome. Identifiers: Orphanet 140162, MedGen C0027672, MeSH D009386, MONDO:0015356.

Submission:

Ambry Genetics
Classification: Uncertain significance for Hereditary cancer-predisposing syndrome. Last evaluated: 2025-03-19. Review status: criteria provided, single submitter. Criteria: Ambry Variant Classification Scheme 2023. Collection method: clinical testing. Allele origin: germline.
Comment: The p.R1309K variant (also known as c.3926G>A), located in coding exon 20 of the BLM gene, results from a G to A substitution at nucleotide position 3926. The arginine at codon 1309 is replaced by lysine, an amino acid with highly similar properties. This amino acid position is conserved. In addition, this alteration is predicted to be tolerated by in silico analysis. Based on the available evidence, the clinical significance of this variant remains unclear.